The following is an entry in ClinVar:

NM_003850.3(SUCLA2):c.935T>C (p.Ile312Thr)

Gene: SUCLA2 (succinate-CoA ligase ADP-forming subunit beta; minus strand). Cytogenetic location: 13q14.2.
Variant type: single nucleotide variant.
Coding change: c.935T>C on transcript NM_003850.3 (MANE Select); coding-DNA position 935, T replaced by C.
Protein change: p.Ile312Thr; replaces isoleucine 312 with threonine.
Molecular consequence: missense variant.
Genome position (GRCh38, 1-based): chr13:47,954,425, A>G on the plus strand (T>C on the coding strand, the complement: SUCLA2 is on the minus strand). VCF-style: chr13-47954425-A-G. GRCh37 (hg19) VCF-style: chr13-48528560-A-G.
Other names: short protein forms I312T.
Identifiers: ClinVar variation 4525878 (VCV004525878.1).

ClinVar aggregate classification (germline): Uncertain significance (1 of 4 stars; one submission).

Submission:

Women's Health and Genetics/Laboratory Corporation of America, LabCorp
Classification: Uncertain significance. Last evaluated: 2025-07-15. Review status: criteria provided, single submitter. Criteria: LabCorp Variant Classification Summary - May 2015. Collection method: clinical testing. Allele origin: germline.
Comment: Variant summary: SUCLA2 c.935T>C (p.Ile312Thr) results in a non-conservative amino acid change in the encoded protein sequence. Algorithms developed to predict the effect of missense changes on protein structure and function are either unavailable or do not agree on the potential impact of this missense change. The variant was absent in 251146 control chromosomes (gnomAD). c.935T>C has been observed in a compound heterozygous individual with clinical features of a milder form of SUCLA2 deficiency (Brasil_2018). Authors of the study also reported experimental evidence and demonstrated mitochondrial dysfunction in patient derived fibroblasts which was rescued via the stable expression of the SUCLA2 protein through lentiviral transduction (Brasil_2018). The following publication has been ascertained in the context of this evaluation (PMID: 30041674). No submitters have cited clinical-significance assessments for this variant to ClinVar. Based on the evidence outlined above, the variant was classified as VUS-possibly pathogenic.

Literature cited by the submitters: PubMed 30041674.